The following is an entry in ClinVar:

ClinVar aggregate classification (germline): Pathogenic (1 of 4 stars; one submission).

Conditions:
Glycogen storage disease type III (GSD3). Also called: FORBES DISEASE; Cori disease. Identifiers: Orphanet 366, MedGen C0017922, MONDO:0009291, OMIM 232400.

Submission:

Labcorp Genetics (formerly Invitae), Labcorp
Classification: Pathogenic for Glycogen storage disease type III. Last evaluated: 2023-11-24. Review status: criteria provided, single submitter. Criteria: Invitae Variant Classification Sherloc (09022015). Collection method: clinical testing. Allele origin: germline.
Comment: This sequence change creates a premature translational stop signal (p.Val942Cysfs*10) in the AGL gene. It is expected to result in an absent or disrupted protein product. Loss-of-function variants in AGL are known to be pathogenic (PMID: 19299494). This variant is not present in population databases (gnomAD no frequency). This variant has not been reported in the literature in individuals affected with AGL-related conditions. ClinVar contains an entry for this variant (Variation ID: 967855). Algorithms developed to predict the effect of sequence changes on RNA splicing suggest that this variant may create or strengthen a splice site. For these reasons, this variant has been classified as Pathogenic.

Literature cited by the submitters: PubMed 19299494.

NM_000642.3(AGL):c.2823dup (p.Val942fs)

Gene: AGL (amylo-alpha-1,6-glucosidase and 4-alpha-glucanotransferase; plus strand). Cytogenetic location: 1p21.2.
Variant type: Duplication.
Coding change: c.2823dup on transcript NM_000642.3 (MANE Select); coding-DNA position 2823, one base duplicated (T; older notation c.2823dupT).
Protein change: p.Val942fs; shifts the reading frame from valine 942.
Molecular consequence: frameshift variant.
Genome position (GRCh38, 1-based): chr1:99,891,230, T duplicated. VCF-style (leftmost placement, unchanged base first): chr1-99891229-C-CT. GRCh37 (hg19) VCF-style: chr1-100356785-C-CT.
Other names: c.2823dup, p.Val942Cysfs (NM_000028.3, NM_000643.3, NM_000644.3 and 1 more transcripts); c.2775dup, p.Val926Cysfs (NM_000646.3); c.2622dup, p.Val875Cysfs (NM_001425327.1); c.2619dup, p.Val874Cysfs (NM_001425328.1); c.2484dup, p.Val829Cysfs (NM_001425329.1); c.2445dup, p.Val816Cysfs (NM_001425332.1); short protein forms V942fs, V926fs.
Identifiers: ClinVar variation 967855 (VCV000967855.8), dbSNP rs1652870529, ClinGen allele CA1139656253.